The following is an entry in ClinVar:

ClinVar aggregate classification (germline): Uncertain significance (1 of 4 stars; one submission).

Submission:

GeneDx
Classification: Uncertain significance. Last evaluated: 2024-06-25. Review status: criteria provided, single submitter. Criteria: GeneDx Variant Classification Process June 2021. Collection method: clinical testing. Allele origin: germline. Affected: yes.
Comment: Not observed at significant frequency in large population cohorts (gnomAD); In silico analysis indicates that this missense variant does not alter protein structure/function; Has not been previously published as pathogenic or benign to our knowledge.

NM_015466.4(PTPN23):c.3350C>T (p.Ala1117Val)

Gene: PTPN23 (protein tyrosine phosphatase non-receptor type 23; plus strand). Cytogenetic location: 3p21.31.
Variant type: single nucleotide variant.
Coding change: c.3350C>T on transcript NM_015466.4 (MANE Select); coding-DNA position 3350, C replaced by T.
Protein change: p.Ala1117Val; replaces alanine 1117 with valine.
Molecular consequence: missense variant.
Genome position (GRCh38, 1-based): chr3:47,411,148, C>T. VCF-style: chr3-47411148-C-T. GRCh37 (hg19) VCF-style: chr3-47452638-C-T.
Other names: c.2972C>T, p.Ala991Val (NM_001304482.2); short protein forms A1117V, A991V.
Identifiers: ClinVar variation 3392627 (VCV003392627.1).